The following is an entry in ClinVar:

NM_000234.3(LIG1):c.2003A>G (p.Glu668Gly)

Gene: LIG1 (DNA ligase 1; minus strand). Cytogenetic location: 19q13.33.
Variant type: single nucleotide variant.
Coding change: c.2003A>G on transcript NM_000234.3 (MANE Select); coding-DNA position 2003, A replaced by G.
Protein change: p.Glu668Gly; replaces glutamic acid 668 with glycine.
Molecular consequence: missense variant. On other transcripts: non-coding transcript variant (6).
Genome position (GRCh38, 1-based): chr19:48,127,278, T>C on the plus strand (A>G on the coding strand, the complement: LIG1 is on the minus strand). VCF-style: chr19-48127278-T-C. GRCh37 (hg19) VCF-style: chr19-48630535-T-C.
Other names: c.1910A>G, p.Glu637Gly (NM_001289063.2); c.1799A>G, p.Glu600Gly (NM_001289064.2); c.2000A>G, p.Glu667Gly (NM_001320970.2); c.1913A>G, p.Glu638Gly (NM_001320971.2); short protein forms E600G, E668G, E667G, E637G, E638G.
Identifiers: ClinVar variation 1370365 (VCV001370365.4), dbSNP rs1050179679, ClinGen allele CA309287651.
Genomic context (GRCh38, chr19:48,127,278, plus strand): 5'-AGGCTCACACCCCACCCCGTCACCCCTCAGCTGCCCCTGGACAGGAAGCTGGAACTCACC[T>C]CTCCATTGAGGTAGATGAGGTCGAAGGCGTACAAACACACCTGCACCTGGATCTCAGACG-3'
Protein context (NP_000225.1, residues 658-678): YAFDLIYLNG[Glu668Gly]SLVREPLSRR

ClinVar aggregate classification (germline): Uncertain significance (1 of 4 stars; one submission).

Allele frequency attached by ClinVar (database versions not stated): gnomAD exomes 0.00001; TOPMed 0.00001.

Submission:

Labcorp Genetics (formerly Invitae), Labcorp
Classification: Uncertain significance. Last evaluated: 2022-11-08. Review status: criteria provided, single submitter. Criteria: Invitae Variant Classification Sherloc (09022015). Collection method: clinical testing. Allele origin: germline.
Comment: In summary, the available evidence is currently insufficient to determine the role of this variant in disease. Therefore, it has been classified as a Variant of Uncertain Significance. Algorithms developed to predict the effect of missense changes on protein structure and function are either unavailable or do not agree on the potential impact of this missense change (SIFT: "Deleterious"; PolyPhen-2: "Possibly Damaging"; Align-GVGD: "Class C0"). ClinVar contains an entry for this variant (Variation ID: 1370365). This variant has not been reported in the literature in individuals affected with LIG1-related conditions. This variant is not present in population databases (gnomAD no frequency). This sequence change replaces glutamic acid, which is acidic and polar, with glycine, which is neutral and non-polar, at codon 668 of the LIG1 protein (p.Glu668Gly).